The following is an entry in ClinVar:

ClinVar aggregate classification (germline): Uncertain significance. Review status: criteria provided, multiple submitters, no conflicts (2 of 4 stars). 2 submissions from 2 submitters: Uncertain significance (2). Last evaluated 2025-08-12.

Conditions:
Dilated cardiomyopathy 1CC (CMD1CC). Identifiers: Orphanet 154, MedGen C2751084, MONDO:0013147, OMIM 613122.
Hypertrophic cardiomyopathy 20. Identifiers: MedGen C3151267, MONDO:0013477, OMIM 613876.
Cardiovascular phenotype. Identifiers: MedGen CN230736.

Allele frequency attached by ClinVar (database versions not stated): gnomAD exomes below 0.00001; TOPMed 0.00001.
gnomAD v4.1: 1 of 1,613,934 alleles (0.000062%); highest among the groups gnomAD compares: Admixed American, 0.0017%; no homozygotes.

Submissions (2):

Ambry Genetics
Classification: Uncertain significance for Cardiovascular phenotype. Last evaluated: 2025-08-12. Review status: criteria provided, single submitter. Criteria: Ambry Variant Classification Scheme 2023. Collection method: clinical testing. Allele origin: germline.
Comment: The p.E232D variant (also known as c.696A>T), located in coding exon 7 of the NEXN gene, results from an A to T substitution at nucleotide position 696. The glutamic acid at codon 232 is replaced by aspartic acid, an amino acid with highly similar properties. This amino acid position is not well conserved in available vertebrate species, and aspartic acid is the reference amino acid in other vertebrate species. In addition, this alteration is predicted to be tolerated by in silico analysis. Since supporting evidence is limited at this time, the clinical significance of this alteration remains unclear.

Labcorp Genetics (formerly Invitae), Labcorp
Classification: Uncertain significance for Dilated cardiomyopathy 1CC; Hypertrophic cardiomyopathy 20. Last evaluated: 2020-10-01. Review status: criteria provided, single submitter. Criteria: Invitae Variant Classification Sherloc (09022015). Collection method: clinical testing. Allele origin: germline.
Comment: This sequence change replaces glutamic acid with aspartic acid at codon 232 of the NEXN protein (p.Glu232Asp). The glutamic acid residue is highly conserved and there is a small physicochemical difference between glutamic acid and aspartic acid. This variant is not present in population databases (ExAC no frequency). This variant has not been reported in the literature in individuals with NEXN-related conditions. Algorithms developed to predict the effect of missense changes on protein structure and function output the following: SIFT: "Tolerated"; PolyPhen-2: "Benign"; Align-GVGD: "Class C0". The aspartic acid amino acid residue is found in multiple mammalian species, suggesting that this missense change does not adversely affect protein function. These predictions have not been confirmed by published functional studies and their clinical significance is uncertain. In summary, the available evidence is currently insufficient to determine the role of this variant in disease. Therefore, it has been classified as a Variant of Uncertain Significance.

NM_144573.4(NEXN):c.696A>T (p.Glu232Asp)

Gene: NEXN (nexilin F-actin binding protein; plus strand). Cytogenetic location: 1p31.1.
Variant type: single nucleotide variant.
Coding change: c.696A>T on transcript NM_144573.4 (MANE Select); coding-DNA position 696, A replaced by T.
Protein change: p.Glu232Asp; replaces glutamic acid 232 with aspartic acid.
Molecular consequence: missense variant.
Genome position (GRCh38, 1-based): chr1:77,926,724, A>T. VCF-style: chr1-77926724-A-T. GRCh37 (hg19) VCF-style: chr1-78392409-A-T.
Other names: c.504A>T, p.Glu168Asp (NM_001172309.2); short protein forms E168D, E232D.
Identifiers: ClinVar variation 1058898 (VCV001058898.11), dbSNP rs1173550376, ClinGen allele CA340873446.